The following is an entry in ClinVar:

ClinVar aggregate classification (germline): Uncertain significance (1 of 4 stars; one submission).

Conditions:
Dyskeratosis congenita, autosomal dominant 1 (DKCA1). Also called: Dyskeratosis congenita Scoggins type. Identifiers: Orphanet 1775, MedGen C4551974, MONDO:0007485, OMIM 127550. Inheritance: Variable.

Submission:

Labcorp Genetics (formerly Invitae), Labcorp
Classification: Uncertain significance for Dyskeratosis congenita, autosomal dominant 1. Last evaluated: 2025-12-15. Review status: criteria provided, single submitter. Criteria: Invitae Variant Classification Sherloc (09022015). Collection method: clinical testing. Allele origin: germline.
Comment: This variant occurs in the TERC gene, which encodes an RNA molecule that does not result in a protein product. This variant is not present in population databases (gnomAD no frequency). This variant has not been reported in the literature in individuals affected with TERC-related conditions. This variant is located within the template/pseudoknot domain of the TERC RNA component, which is required for RNA or RNP stability (PMID: 15082312, 21844345). This variant is located in a region of TERC in which a significant number of disease causing variants have been reported (PMID: 15082312, 21844345, 21931702). These observations suggest that this may be a clinically significant region. In summary, the available evidence is currently insufficient to determine the role of this variant in disease. Therefore, it has been classified as a Variant of Uncertain Significance.

Literature cited by the submitters: PubMed 15082312; PubMed 21844345; PubMed 21931702.

NR_001566.3(TERC):n.36C>A

Genes: TERC (telomerase RNA component; minus strand), LOC110806306 (telomerase RNA component (TERC) promoter; plus strand). Cytogenetic location: 3q26.2.
Variant type: single nucleotide variant.
Molecular consequence: non-coding transcript variant (on NR_001566.3).
Genome position: GRCh38 VCF-style: chr3-169765025-G-T. GRCh37 (hg19) VCF-style: chr3-169482813-G-T.
Identifiers: ClinVar variation 4706556 (VCV004706556.1).